The following is an entry in ClinVar:

ClinVar aggregate classification (germline): Likely benign. Review status: criteria provided, multiple submitters, no conflicts (2 of 4 stars). 2 submissions from 2 submitters: Likely benign (2). Last evaluated 2026-08-30.

Conditions:
Charcot-Marie-Tooth disease type 4. Also called: Charcot-Marie-Tooth disease, type IV; Charcot-Marie-Tooth, Type 4. Identifiers: Orphanet 64749, MedGen C4082197, MONDO:0018995.
FGD4-related disorder. Also called: FGD4-related condition.

Allele frequency attached by ClinVar (database versions not stated): gnomAD exomes below 0.00001; gnomAD 0.00003; TOPMed 0.00005.
gnomAD v4.1: 7 of 1,614,096 alleles (0.00043%); highest among the groups gnomAD compares: Admixed American, 0.01%; no homozygotes.

Submissions (2):

PreventionGenetics, part of Exact Sciences
Classification: Likely benign for FGD4-related condition. Last evaluated: 2026-08-30. Review status: criteria provided, single submitter. Criteria: ACMG Guidelines, 2015. Collection method: clinical testing. Allele origin: germline.
Comment: This variant is classified as likely benign based on ACMG/AMP sequence variant interpretation guidelines (Richards et al. 2015 PMID: 25741868, with internal and published modifications).

Labcorp Genetics (formerly Invitae), Labcorp
Classification: Likely benign for Charcot-Marie-Tooth disease type 4. Last evaluated: 2022-09-01. Review status: criteria provided, single submitter. Criteria: Invitae Variant Classification Sherloc (09022015). Collection method: clinical testing. Allele origin: germline.

NM_001370298.3(FGD4):c.1338A>C (p.Ala446=)

Gene: FGD4 (FYVE, RhoGEF and PH domain containing 4; plus strand). Cytogenetic location: 12p11.21.
Variant type: single nucleotide variant.
Coding change: c.1338A>C on transcript NM_001370298.3 (MANE Select); coding-DNA position 1338, A replaced by C.
Protein change: p.Ala446=; no amino-acid change (alanine 446 retained).
Molecular consequence: synonymous variant. On other transcripts: 5 prime UTR variant (1).
Genome position (GRCh38, 1-based): chr12:32,602,251, A>C. VCF-style: chr12-32602251-A-C. GRCh37 (hg19) VCF-style: chr12-32755185-A-C.
Other names: c.1182A>C, p.Ala394= (NM_001304481.2); c.183A>C, p.Ala61= (NM_001304483.2); c.-125A>C (NM_001304484.2); c.648A>C, p.Ala216= (NM_001330373.2, NM_001330374.2, NM_001384130.1); c.375A>C, p.Ala125= (NM_001370297.1); c.1338A>C, p.Ala446= (NM_001384126.1); c.927A>C, p.Ala309= (NM_001384127.1, NM_001384128.1, NM_001385118.1 and 1 more transcripts).
Identifiers: ClinVar variation 1657868 (VCV001657868.9), dbSNP rs1454504656, ClinGen allele CA479166935.